The following is an entry in ClinVar:

ClinVar aggregate classification (germline): Conflicting classifications of pathogenicity. Review status: criteria provided, conflicting classifications (1 of 4 stars). 4 submissions from 4 submitters: Likely pathogenic (2); Uncertain significance (2). Last evaluated 2026-05-04.

Conditions:
Osteoporosis with pseudoglioma (OPPG). Also called: osteoporosis-pseudoglioma syndrome. Identifiers: Orphanet 2788, MedGen C0432252, MONDO:0009820, OMIM 259770.
Polycystic liver disease 4 with or without kidney cysts. Identifiers: MedGen C4693479, MONDO:0044327, OMIM 617875.
Autosomal dominant osteopetrosis 1 (OPTA1). Also called: OSTEOPETROSIS, AUTOSOMAL DOMINANT, TYPE I. Identifiers: Orphanet 2783, MedGen C1843330, MONDO:0011877, OMIM 607634.
Exudative vitreoretinopathy 4 (EVR4). Identifiers: Orphanet 891, MedGen C1866176, MONDO:0011151, OMIM 601813.
Worth disease. Also called: Autosomal dominant osteosclerosis, Worth type; ENDOSTEAL HYPEROSTOSIS, AUTOSOMAL DOMINANT; OSTEOSCLEROSIS, AUTOSOMAL DOMINANT. Identifiers: Orphanet 2790, MedGen C0432273, MONDO:0007764, OMIM 144750.
Bone mineral density quantitative trait locus 1 (BMND1). Identifiers: MedGen C1866079, OMIM 601884.
LRP5-related disorder. Also called: LRP5-related condition.

Allele frequency attached by ClinVar (database versions not stated): TOPMed 0.00002.
gnomAD v4.1: 30 of 1,613,990 alleles (0.0019%); highest among the groups gnomAD compares: Middle Eastern, 0.033%; no homozygotes.

Submissions (4):

PreventionGenetics, part of Exact Sciences
Classification: Uncertain significance for LRP5-related condition. Last evaluated: 2026-05-04. Review status: criteria provided, single submitter. Criteria: ACMG Guidelines, 2015. Collection method: clinical testing. Allele origin: germline.
Comment: The LRP5 c.533G>A variant is predicted to result in the amino acid substitution p.Arg178Gln. This variant has been reported in an individual with osteoporosis, along with a second LRP5 variant in the same allele (Caetano da Silva et al. 2021. PubMed ID: 33939331). This variant is reported in 0.0054% of alleles in individuals of East Asian descent in gnomAD. At this time, the clinical significance of this variant is uncertain due to the absence of conclusive functional and genetic evidence.

Labcorp Genetics (formerly Invitae), Labcorp
Classification: Likely pathogenic. Last evaluated: 2025-11-05. Review status: criteria provided, single submitter. Criteria: Invitae Variant Classification Sherloc (09022015). Collection method: clinical testing. Allele origin: germline.
Comment: This sequence change replaces arginine, which is basic and polar, with glutamine, which is neutral and polar, at codon 178 of the LRP5 protein (p.Arg178Gln). This variant is present in population databases (rs183377804, gnomAD 0.006%). This missense change has been observed in individuals with clinical features of autosomal recessive osteoporosis-pseudoglioma syndrome and/or clinical features of autosomal dominant osteoporosis with retinopathy (PMID: 33939331; internal data). ClinVar contains an entry for this variant (Variation ID: 1043257). Invitae Evidence Modeling of protein sequence and biophysical properties (such as structural, functional, and spatial information, amino acid conservation, physicochemical variation, residue mobility, and thermodynamic stability) has been performed for this missense variant. However, the output from this modeling did not meet the statistical confidence thresholds required to predict the impact of this variant on LRP5 protein function. In summary, the currently available evidence indicates that the variant is pathogenic, but additional data are needed to prove that conclusively. Therefore, this variant has been classified as Likely Pathogenic.

First Genomix Gene Laboratory, Genetic Diagnostics Department
Classification: Likely pathogenic for Exudative vitreoretinopathy 4; Osteoporosis with pseudoglioma. Last evaluated: 2025-03-27. Review status: criteria provided, single submitter. Criteria: ACMG Guidelines, 2015. Collection method: clinical testing. Allele origin: germline. Inheritance: Autosomal recessive inheritance. Affected: no. Observed: 1 variant allele.

Fulgent Genetics
Classification: Uncertain significance for Worth disease; Osteoporosis with pseudoglioma; Exudative vitreoretinopathy 4; Bone mineral density quantitative trait locus 1; Autosomal dominant osteopetrosis 1; Polycystic liver disease 4 with or without kidney cysts. Last evaluated: 2024-03-14. Review status: criteria provided, single submitter. Criteria: ACMG Guidelines, 2015. Collection method: clinical testing. Allele origin: germline.

Literature cited by the submitters: PubMed 33939331 (cited by Labcorp Genetics (formerly Invitae), Labcorp).

NM_002335.4(LRP5):c.533G>A (p.Arg178Gln)

Gene: LRP5 (LDL receptor related protein 5; plus strand). Cytogenetic location: 11q13.2.
Variant type: single nucleotide variant.
Coding change: c.533G>A on transcript NM_002335.4 (MANE Select); coding-DNA position 533, G replaced by A.
Protein change: p.Arg178Gln; replaces arginine 178 with glutamine.
Molecular consequence: missense variant. On other transcripts: 5 prime UTR variant (1).
Genome position (GRCh38, 1-based): chr11:68,357,694, G>A. VCF-style: chr11-68357694-G-A. GRCh37 (hg19) VCF-style: chr11-68125162-G-A.
Other names: c.-1233G>A (NM_001291902.2); c.533G>A (NM_002335.3); short protein forms R178Q.
Identifiers: ClinVar variation 1043257 (VCV001043257.11), dbSNP rs183377804, ClinGen allele CA6149044.